The following is an entry in ClinVar:

NM_004795.4(KL):c.2251A>G (p.Arg751Gly)

Gene: KL (klotho; plus strand). Cytogenetic location: 13q13.1.
Variant type: single nucleotide variant.
Coding change: c.2251A>G on transcript NM_004795.4 (MANE Select); coding-DNA position 2251, A replaced by G.
Protein change: p.Arg751Gly; replaces arginine 751 with glycine.
Molecular consequence: missense variant.
Genome position (GRCh38, 1-based): chr13:33,061,330, A>G. VCF-style: chr13-33061330-A-G. GRCh37 (hg19) VCF-style: chr13-33635467-A-G.
Other names: c.2251A>G (NM_004795.3); short protein forms R751G.
Identifiers: ClinVar variation 1344758 (VCV001344758.6), dbSNP rs373177691, ClinGen allele CA6944276.

ClinVar aggregate classification (germline): Uncertain significance. Review status: criteria provided, multiple submitters, no conflicts (2 of 4 stars). 4 submissions from 4 submitters: Uncertain significance (3). 1 of the submissions does not count toward it. Last evaluated 2025-12-16.

Conditions:
Tumoral calcinosis, hyperphosphatemic, familial, 3. Identifiers: MedGen C4693864, MONDO:0060715, OMIM 617994.
Amenorrhea. Identifiers: MedGen C0002453, MONDO:0001836, HP:0000141.

Allele frequency attached by ClinVar (database versions not stated): gnomAD exomes 0.00004 and 0.00008; ExAC 0.00005; TOPMed 0.00005; gnomAD 0.00007; ESP Exome Variant Server 0.00008.
gnomAD v4.1: 121 of 1,614,000 alleles (0.0075%); highest among the groups gnomAD compares: Non-Finnish European, 0.0097%; no homozygotes.

Submissions (4):

Labcorp Genetics (formerly Invitae), Labcorp
Classification: Uncertain significance. Last evaluated: 2025-12-16. Review status: criteria provided, single submitter. Criteria: Invitae Variant Classification Sherloc (09022015). Collection method: clinical testing. Allele origin: germline.
Comment: This sequence change replaces arginine, which is basic and polar, with glycine, which is neutral and non-polar, at codon 751 of the KL protein (p.Arg751Gly). This variant is present in population databases (rs373177691, gnomAD 0.008%). This variant has not been reported in the literature in individuals affected with KL-related conditions. ClinVar contains an entry for this variant (Variation ID: 1344758). Invitae Evidence Modeling of protein sequence and biophysical properties (such as structural, functional, and spatial information, amino acid conservation, physicochemical variation, residue mobility, and thermodynamic stability) indicates that this missense variant is expected to disrupt KL protein function with a positive predictive value of 80%. In summary, the available evidence is currently insufficient to determine the role of this variant in disease. Therefore, it has been classified as a Variant of Uncertain Significance.

Fulgent Genetics
Classification: Uncertain significance for Tumoral calcinosis, hyperphosphatemic, familial, 3. Last evaluated: 2022-05-24. Review status: criteria provided, single submitter. Criteria: ACMG Guidelines, 2015. Collection method: clinical testing. Allele origin: unknown.

Ambry Genetics
Classification: Uncertain significance. Last evaluated: 2021-07-14. Review status: criteria provided, single submitter. Criteria: Ambry Variant Classification Scheme 2023. Collection method: clinical testing. Allele origin: germline.

Yale Center for Mendelian Genomics, Yale University
Classification: Uncertain significance for Amenorrhea. Last evaluated: 2021-03-08. Review status: no assertion criteria provided. Collection method: literature only. Allele origin: unknown. Affected: yes. Observed: 1 heterozygote. Study: Yale Center for Mendelian Genomics. Not counted in ClinVar's aggregate classification.

Literature cited by the submitters: PubMed 32870266 (cited by Yale Center for Mendelian Genomics, Yale University).